The following is an entry in ClinVar:

ClinVar aggregate classification (germline): Uncertain significance (1 of 4 stars; one submission).

Allele frequency attached by ClinVar (database versions not stated): gnomAD exomes below 0.00001; ExAC 0.00001.
gnomAD v4.1: 5 of 1,582,068 alleles (0.00032%); highest among the groups gnomAD compares: Middle Eastern, 0.017%; no homozygotes.

Submission:

Labcorp Genetics (formerly Invitae), Labcorp
Classification: Uncertain significance. Last evaluated: 2023-09-27. Review status: criteria provided, single submitter. Criteria: Invitae Variant Classification Sherloc (09022015). Collection method: clinical testing. Allele origin: germline.
Comment: This sequence change replaces asparagine, which is neutral and polar, with lysine, which is basic and polar, at codon 285 of the ENPP1 protein (p.Asn285Lys). This variant is present in population databases (rs754997713, gnomAD 0.0009%). This variant has not been reported in the literature in individuals affected with ENPP1-related conditions. In summary, the available evidence is currently insufficient to determine the role of this variant in disease. Therefore, it has been classified as a Variant of Uncertain Significance. Advanced modeling of protein sequence and biophysical properties (such as structural, functional, and spatial information, amino acid conservation, physicochemical variation, residue mobility, and thermodynamic stability) performed at Invitae indicates that this missense variant is not expected to disrupt ENPP1 protein function.

NM_006208.3(ENPP1):c.855T>A (p.Asn285Lys)

Gene: ENPP1 (ectonucleotide pyrophosphatase/phosphodiesterase 1; plus strand). Cytogenetic location: 6q23.2.
Variant type: single nucleotide variant.
Coding change: c.855T>A on transcript NM_006208.3 (MANE Select); coding-DNA position 855, T replaced by A.
Protein change: p.Asn285Lys; replaces asparagine 285 with lysine.
Molecular consequence: missense variant.
Genome position (GRCh38, 1-based): chr6:131,860,446, T>A. VCF-style: chr6-131860446-T-A. GRCh37 (hg19) VCF-style: chr6-132181586-T-A.
Other names: short protein forms N285K.
Identifiers: ClinVar variation 2956825 (VCV002956825.3), dbSNP rs754997713, ClinGen allele CA4002024.